The following is an entry in ClinVar:

ClinVar aggregate classification (germline): Uncertain significance. Review status: criteria provided, single submitter (1 of 4 stars). 2 submissions from 2 submitters: Uncertain significance (1). 1 of the submissions does not count toward it. Last evaluated 2023-08-04.

Conditions:
Inborn genetic diseases. Identifiers: MedGen C0950123, MeSH D030342.
SPEN-related disorder. Also called: SPEN-related condition.

Allele frequency attached by ClinVar (database versions not stated): gnomAD exomes below 0.00001; gnomAD 0.00001; TOPMed 0.00002; ESP Exome Variant Server 0.00008.

Submissions (2):

Ambry Genetics
Classification: Uncertain significance for Inborn genetic diseases. Last evaluated: 2023-08-04. Review status: criteria provided, single submitter. Criteria: Ambry Variant Classification Scheme 2023. Collection method: clinical testing. Allele origin: germline.

PreventionGenetics, part of Exact Sciences
Classification: Uncertain significance for SPEN-related condition. Last evaluated: 2024-03-25. Review status: no assertion criteria provided. Collection method: clinical testing. Allele origin: germline. Not counted in ClinVar's aggregate classification.
Comment: The SPEN c.4720G>A variant is predicted to result in the amino acid substitution p.Asp1574Asn. To our knowledge, this variant has not been reported in the literature or in a large population database, indicating this variant is rare. At this time, the clinical significance of this variant is uncertain due to the absence of conclusive functional and genetic evidence.

NM_015001.3(SPEN):c.4720G>A (p.Asp1574Asn)

Gene: SPEN (spen family transcriptional repressor; plus strand). Cytogenetic location: 1p36.13.
Variant type: single nucleotide variant.
Coding change: c.4720G>A on transcript NM_015001.3 (MANE Select); coding-DNA position 4720, G replaced by A.
Protein change: p.Asp1574Asn; replaces aspartic acid 1574 with asparagine.
Molecular consequence: missense variant.
Genome position (GRCh38, 1-based): chr1:15,930,960, G>A. VCF-style: chr1-15930960-G-A. GRCh37 (hg19) VCF-style: chr1-16257455-G-A.
Other names: short protein forms D1574N.
Identifiers: ClinVar variation 2601265 (VCV002601265.3), dbSNP rs138972634, ClinGen allele CA18278262.